The following is an entry in ClinVar:

ClinVar aggregate classification (germline): Uncertain significance (1 of 4 stars; one submission).

Allele frequency attached by ClinVar (database versions not stated): gnomAD exomes 0.00001.
gnomAD v4.1: 18 of 1,614,196 alleles (0.0011%); highest among the groups gnomAD compares: Middle Eastern, 0.033%; no homozygotes.

Submission:

Ambry Genetics
Classification: Uncertain significance. Last evaluated: 2022-10-15. Review status: criteria provided, single submitter. Criteria: Ambry Variant Classification Scheme 2023. Collection method: clinical testing. Allele origin: germline.
Comment: The p.A214E variant (also known as c.641C>A), located in coding exon 7 of the RAD54L gene, results from a C to A substitution at nucleotide position 641. The alanine at codon 214 is replaced by glutamic acid, an amino acid with dissimilar properties. This amino acid position is conserved. In addition, this alteration is predicted to be deleterious by in silico analysis. Since supporting evidence is limited at this time, the clinical significance of this alteration remains unclear.

NM_003579.4(RAD54L):c.641C>A (p.Ala214Glu)

Gene: RAD54L (RAD54 like; plus strand). Cytogenetic location: 1p34.1.
Variant type: single nucleotide variant.
Coding change: c.641C>A on transcript NM_003579.4 (MANE Select); coding-DNA position 641, C replaced by A.
Protein change: p.Ala214Glu; replaces alanine 214 with glutamic acid.
Molecular consequence: missense variant.
Genome position (GRCh38, 1-based): chr1:46,260,890, C>A. VCF-style: chr1-46260890-C-A. GRCh37 (hg19) VCF-style: chr1-46726562-C-A.
Other names: c.641C>A, p.Ala214Glu (NM_001142548.2); c.101C>A, p.Ala34Glu (NM_001370766.1); short protein forms A214E, A34E.
Identifiers: ClinVar variation 1753419 (VCV001753419.2), dbSNP rs765416189, ClinGen allele CA340186885.